The following is an entry in ClinVar:

NM_001377.3(DYNC2H1):c.5291del (p.Ala1764fs)

Gene: DYNC2H1 (dynein cytoplasmic 2 heavy chain 1; plus strand). Cytogenetic location: 11q22.3.
Variant type: Deletion.
Coding change: c.5291del on transcript NM_001377.3 (MANE Select); coding-DNA position 5291, one base deleted (C; older notation c.5291delC).
Protein change: p.Ala1764fs; shifts the reading frame from alanine 1764.
Molecular consequence: frameshift variant.
Genome position (GRCh38, 1-based): chr11:103,171,025, C deleted. VCF-style (leftmost placement, unchanged base first): chr11-103171024-GC-G. GRCh37 (hg19) VCF-style: chr11-103041753-GC-G.
Other names: c.5291del, p.Ala1764fs (NM_001080463.2); short protein forms A1764fs.
Identifiers: ClinVar variation 5014784 (VCV005014784.1).

ClinVar aggregate classification (germline): Pathogenic (1 of 4 stars; one submission).

Conditions:
Asphyxiating thoracic dystrophy 3. Also called: SHORT-RIB THORACIC DYSPLASIA 3 WITH OR WITHOUT POLYDACTYLY; POLYDACTYLY WITH NEONATAL CHONDRODYSTROPHY, TYPE I; SHORT-RIB THORACIC DYSPLASIA 3/6 WITH POLYDACTYLY, DIGENIC; Short rib polydactyly syndrome 2B; Saldino-Noonan Syndrome. Identifiers: Orphanet 474, Orphanet 93269, Orphanet 93270, Orphanet 93271, MedGen C0036069, MONDO:0013127, OMIM 613091.

Submission:

Myriad Genetics, Inc.
Classification: Pathogenic for Asphyxiating thoracic dystrophy 3. Last evaluated: 2025-07-29. Review status: criteria provided, single submitter. Criteria: Myriad Autosomal Dominant, Autosomal Recessive and X-Linked Classification Criteria (2023). Collection method: clinical testing. Allele origin: unknown.
Comment: NM_001377.2(DYNC2H1):c.5291delC(A1764Vfs*2) is expected to be pathogenic in the context of DYNC2H1-related disorders. This variant is predicted to lead to an abnormal or absent protein product due to the creation of a premature termination codon in DYNC2H1, a gene where loss-of-function variants are known to be pathogenic. Please note: this variant was assessed in the context of healthy population screening.